The following is an entry in ClinVar:

NM_007294.4(BRCA1):c.5355G>T (p.Gln1785His)

Gene: BRCA1 (BRCA1 DNA repair associated; minus strand). Cytogenetic location: 17q21.31.
Variant type: single nucleotide variant.
Coding change: c.5355G>T on transcript NM_007294.4 (MANE Select); coding-DNA position 5355, G replaced by T.
Protein change: p.Gln1785His; replaces glutamine 1785 with histidine.
Molecular consequence: missense variant. On other transcripts: non-coding transcript variant (1), intron variant (1).
Genome position (GRCh38, 1-based): chr17:43,049,172, C>A on the plus strand (G>T on the coding strand, the complement: BRCA1 is on the minus strand). VCF-style: chr17-43049172-C-A. GRCh37 (hg19) VCF-style: chr17-41201189-C-A.
Other names: c.5229G>T, p.Gln1743His (NM_001407671.1, NM_001407672.1, NM_001407673.1 and 8 more transcripts); c.2046G>T, p.Gln682His (NM_001407978.1, NM_001407973.1, NM_001407974.1 and 3 more transcripts); c.2043G>T, p.Gln681His (NM_001407979.1, NM_001407980.1, NM_001407981.1 and 11 more transcripts); c.1926G>T, p.Gln642His (NM_001408422.1, NM_001408423.1, NM_001408424.1 and 1 more transcripts); c.1923G>T, p.Gln641His (NM_001408425.1, NM_001408426.1, NM_001408427.1 and 4 more transcripts); c.1902G>T, p.Gln634His (NM_001408461.1, NM_001408462.1, NM_001408463.1 and 7 more transcripts); c.1899G>T, p.Gln633His (NM_001408468.1, NM_001408469.1, NM_001408470.1); c.1719G>T, p.Gln573His (NM_001408506.1); and 73 more; short protein forms Q1785H, Q1806H, Q1738H, Q681H, Q1657H, Q1714H, Q1717H, Q1741H.
Identifiers: ClinVar variation 55547 (VCV000055547.4), dbSNP rs397509269, ClinGen allele CA003520.

ClinVar aggregate classification (germline): not provided (0 of 4 stars; one submission).

Conditions:
Familial cancer of breast. Also called: hereditary breast carcinoma; BREAST CANCER, FAMILIAL; Hereditary breast cancer. Identifiers: Orphanet 227535, MedGen C0346153, MONDO:0016419, OMIM 114480. Disease mechanism: loss of function.

Submissions (2):

Brotman Baty Institute, University of Washington
No classification provided (evidence only). Condition: Breast-ovarian cancer, familial 1. Review status: no classification provided. Collection method: in vitro. Allele origin: not applicable. Functional consequence: functionally_normal. Not counted in ClinVar's aggregate classification.
ClinVar note: "not provided" was previously submitted as the classification for the variant. However, the classification appeared to be based only on an observation of functional data so it was converted to no classification on 2025-07-30.

ClinVar Staff, National Center for Biotechnology Information (NCBI)
No classification provided. Condition: Familial cancer of breast. Review status: no classification provided. Collection method: literature only. Allele origin: germline. Affected: yes.

Literature cited by the submitters: PubMed 10480351 (cited by ClinVar Staff, National Center for Biotechnology Information (NCBI)).